The following is an entry in ClinVar:

NM_000271.5(NPC1):c.2035_2036delinsT (p.Gly679fs)

Gene: NPC1 (NPC intracellular cholesterol transporter 1; minus strand). Cytogenetic location: 18q11.2.
Variant type: Indel.
Coding change: c.2035_2036delinsT on transcript NM_000271.5 (MANE Select); coding-DNA positions 2035 to 2036, GG replaced by T.
Protein change: p.Gly679fs; shifts the reading frame from glycine 679.
Molecular consequence: frameshift variant.
Genome position (GRCh38, 1-based): chr18:23,544,438-23,544,439, CC replaced by A on the plus strand (GG replaced by T on the coding strand, the reverse complement: NPC1 is on the minus strand). VCF-style: chr18-23544438-CC-A. GRCh37 (hg19) VCF-style: chr18-21124402-CC-A.
Other names: short protein forms G679fs.
Identifiers: ClinVar variation 1724710 (VCV001724710.2), dbSNP rs2511235412, ClinGen allele CA2580095611.

ClinVar aggregate classification (germline): Likely pathogenic (1 of 4 stars; one submission).

Conditions:
Niemann-Pick disease, type C1. Also called: NEUROVISCERAL STORAGE DISEASE WITH VERTICAL SUPRANUCLEAR OPHTHALMOPLEGIA; NIEMANN-PICK DISEASE WITH CHOLESTEROL ESTERIFICATION BLOCK; NIEMANN-PICK DISEASE WITHOUT SPHINGOMYELINASE DEFICIENCY; NIEMANN-PICK DISEASE, CHRONIC NEURONOPATHIC FORM; NIEMANN-PICK DISEASE, VARIANT TYPE C1. Identifiers: Orphanet 646, MedGen C3179455, MONDO:0009757, OMIM 257220.

Submission:

Myriad Genetics, Inc.
Classification: Likely pathogenic for Niemann-Pick disease, type C1. Last evaluated: 2022-02-25. Review status: criteria provided, single submitter. Criteria: Myriad Women's Health Autosomal Recessive and X-Linked Classification Criteria (2021). Collection method: clinical testing. Allele origin: unknown.
Comment: NM_000271.4(NPC1):c.2035_2036delGGinsT(G679Cfs*4) is expected to be pathogenic in the context of Niemann-Pick disease type C1. This variant is predicted to lead to an abnormal or absent protein product due to the creation of a premature termination codon in NPC1, a gene where loss-of-function variants are known to be pathogenic. Please note: this variant was assessed in the context of healthy population screening.